The following is an entry in ClinVar:

ClinVar aggregate classification (germline): Pathogenic (1 of 4 stars; one submission).

Conditions:
Familial cancer of breast. Also called: BREAST CANCER, FAMILIAL; Hereditary breast cancer; hereditary breast carcinoma. Identifiers: Orphanet 227535, MedGen C0346153, MONDO:0016419, OMIM 114480. Disease mechanism: loss of function.

Submission:

Myriad Genetics, Inc.
Classification: Pathogenic for Familial cancer of breast. Last evaluated: 2024-01-19. Review status: criteria provided, single submitter. Criteria: Myriad Autosomal Dominant, Autosomal Recessive and X-Linked Classification Criteria (2023). Collection method: clinical testing. Allele origin: unknown.
Comment: This variant is considered pathogenic. This variant creates a frameshift predicted to result in premature protein truncation.

NM_000051.4(ATM):c.3292dup (p.Gln1098fs)

Gene: ATM (ATM serine/threonine kinase; plus strand). Cytogenetic location: 11q22.3.
Variant type: Duplication.
Coding change: c.3292dup on transcript NM_000051.4 (MANE Select); coding-DNA position 3292, one base duplicated (C; older notation c.3292dupC).
Protein change: p.Gln1098fs; shifts the reading frame from glutamine 1098.
Molecular consequence: frameshift variant.
Genome position (GRCh38, 1-based): chr11:108,279,498, C duplicated; the last of 2 consecutive C bases (chr11:108,279,497-108,279,498); duplicating either gives the same sequence. VCF-style (leftmost placement, unchanged base first): chr11-108279496-T-TC. GRCh37 (hg19) VCF-style: chr11-108150223-T-TC.
Other names: c.3292dup, p.Gln1098fs (NM_001351834.2); short protein forms Q1098fs.
Identifiers: ClinVar variation 3148560 (VCV003148560.1), dbSNP rs1555090075, ClinGen allele CA2825001826.